The following is an entry in ClinVar:

ClinVar aggregate classification (germline): Pathogenic/Likely pathogenic. Review status: criteria provided, multiple submitters, no conflicts (2 of 4 stars). 3 submissions from 3 submitters: Pathogenic (1); Likely pathogenic (1). 1 of the submissions does not count toward it. Last evaluated 2025-03-26.

Conditions:
Autosomal recessive nonsyndromic hearing loss 2. Also called: DEAFNESS, AUTOSOMAL RECESSIVE 2; NEUROSENSORY NONSYNDROMIC RECESSIVE DEAFNESS 2. Identifiers: Orphanet 90636, MedGen C1838701, MONDO:0010807, OMIM 600060.
Usher syndrome type 1 (USH1). Also called: RETINITIS PIGMENTOSA AND CONGENITAL DEAFNESS. Identifiers: Orphanet 231169, Orphanet 886, MedGen C1568247, MONDO:0010168, OMIM 276900.
Usher syndrome type 1B (USH1B). Also called: Usher syndrome type IB. Identifiers: MedGen C1848638, MONDO:0700087.

Allele frequency attached by ClinVar (database versions not stated): gnomAD exomes below 0.00001.

Submissions (3):

Labcorp Genetics (formerly Invitae), Labcorp
Classification: Pathogenic. Last evaluated: 2025-03-26. Review status: criteria provided, single submitter. Criteria: Invitae Variant Classification Sherloc (09022015). Collection method: clinical testing. Allele origin: germline.
Comment: This sequence change creates a premature translational stop signal (p.Trp1342Glyfs*57) in the MYO7A gene. It is expected to result in an absent or disrupted protein product. Loss-of-function variants in MYO7A are known to be pathogenic (PMID: 8900236, 25404053). This variant is not present in population databases (gnomAD no frequency). This variant has not been reported in the literature in individuals affected with MYO7A-related conditions. ClinVar contains an entry for this variant (Variation ID: 551642). For these reasons, this variant has been classified as Pathogenic.

Natera, Inc.
Classification: Likely pathogenic for Usher syndrome type 1B. Last evaluated: 2024-06-28. Review status: criteria provided, single submitter. Criteria: Natera Variant Classification Schema (03/2026). Collection method: clinical testing. Allele origin: germline.
Comment: The c.4024delT variant in MYO7A is a frameshift variant predicted to shift the reading frame beginning at codon 1342 and leads to a stop codon 57 codons downstream. This variant is expected to result in nonsense mediated decay, truncation, or a dysfunctional protein product. This variant is rare in the general population with a frequency below the threshold expected for the associated phenotype(s). Given the available evidence, this variant is classified as Likely Pathogenic.

Counsyl
Classification: Likely pathogenic for Usher syndrome type 1; Autosomal recessive nonsyndromic hearing loss 2. Last evaluated: 2017-04-28. Review status: no assertion criteria provided. Collection method: clinical testing. Allele origin: unknown. Not counted in ClinVar's aggregate classification.

Literature cited by the submitters: PubMed 8900236 (cited by Labcorp Genetics (formerly Invitae), Labcorp); PubMed 25404053 (cited by Labcorp Genetics (formerly Invitae), Labcorp).

NM_000260.4(MYO7A):c.4024del (p.Trp1342fs)

Gene: MYO7A (myosin VIIA; plus strand). Cytogenetic location: 11q13.5.
Variant type: Deletion.
Coding change: c.4024del on transcript NM_000260.4 (MANE Select); coding-DNA position 4024, one base deleted (T; older notation c.4024delT).
Protein change: p.Trp1342fs; shifts the reading frame from tryptophan 1342.
Molecular consequence: frameshift variant.
Genome position (GRCh38, 1-based): chr11:77,192,150, T deleted. VCF-style (leftmost placement, unchanged base first): chr11-77192149-CT-C. GRCh37 (hg19) VCF-style: chr11-76903194-CT-C.
Other names: c.4024del, p.Trp1342fs (NM_001127180.2); c.3991del, p.Trp1331fs (NM_001369365.1); short protein forms W1331fs, W1342fs.
Identifiers: ClinVar variation 551642 (VCV000551642.9), dbSNP rs1555093028, ClinGen allele CA658822309.